The following is an entry in ClinVar:

ClinVar aggregate classification (germline): Uncertain significance (1 of 4 stars; one submission).

Conditions:
Duchenne muscular dystrophy (DMD). Also called: MUSCULAR DYSTROPHY, PSEUDOHYPERTROPHIC PROGRESSIVE, DUCHENNE TYPE; Duchenne Muscular Dystrophy (DMD). Identifiers: Orphanet 98896, MedGen C0013264, MONDO:0010679, OMIM 310200.

gnomAD v4.1: 8 of 1,206,624 alleles (0.00066%); highest among the groups gnomAD compares: Admixed American, 0.017%; no homozygotes.

Submission:

Labcorp Genetics (formerly Invitae), Labcorp
Classification: Uncertain significance for Duchenne muscular dystrophy. Last evaluated: 2025-03-31. Review status: criteria provided, single submitter. Criteria: Invitae Variant Classification Sherloc (09022015). Collection method: clinical testing. Allele origin: germline.
Comment: This sequence change replaces valine, which is neutral and non-polar, with phenylalanine, which is neutral and non-polar, at codon 3410 of the DMD protein (p.Val3410Phe). This variant is present in population databases (rs751030250, gnomAD 0.02%). This variant has not been reported in the literature in individuals affected with DMD-related conditions. ClinVar contains an entry for this variant (Variation ID: 2201329). Invitae Evidence Modeling of protein sequence and biophysical properties (such as structural, functional, and spatial information, amino acid conservation, physicochemical variation, residue mobility, and thermodynamic stability) indicates that this missense variant is not expected to disrupt DMD protein function with a negative predictive value of 95%. Algorithms developed to predict the effect of sequence changes on RNA splicing suggest that this variant may disrupt the consensus splice site. In summary, the available evidence is currently insufficient to determine the role of this variant in disease. Therefore, it has been classified as a Variant of Uncertain Significance.

NM_004006.3(DMD):c.10228G>T (p.Val3410Phe)

Gene: DMD (dystrophin; minus strand). Cytogenetic location: Xp21.2.
Variant type: single nucleotide variant.
Coding change: c.10228G>T on transcript NM_004006.3 (MANE Select); coding-DNA position 10228, G replaced by T.
Protein change: p.Val3410Phe; replaces valine 3410 with phenylalanine.
Molecular consequence: missense variant. On other transcripts: intron variant (5).
Genome position (GRCh38, 1-based): chrX:31,177,966, C>A on the plus strand (G>T on the coding strand, the complement: DMD is on the minus strand). VCF-style: chrX-31177966-C-A. GRCh37 (hg19) VCF-style: chrX-31196083-C-A.
Other names: c.10204G>T, p.Val3402Phe (NM_000109.4); c.10216G>T, p.Val3406Phe (NM_004009.3); c.9859G>T, p.Val3287Phe (NM_004010.3); c.6205G>T, p.Val2069Phe (NM_004011.4); c.6196G>T, p.Val2066Phe (NM_004012.4); c.2848G>T, p.Val950Phe (NM_004013.3, NM_004021.3); c.2041G>T, p.Val681Phe (NM_004014.3); c.1024G>T, p.Val342Phe (NM_004015.3, NM_004016.3); and 2 more; short protein forms V2069F, V3402F, V2066F, V3287F, V3406F, V3410F, V342F, V950F.
Identifiers: ClinVar variation 2201329 (VCV002201329.2), dbSNP rs751030250, ClinGen allele CA10377655.